The following is an entry in ClinVar:

NM_003072.5(SMARCA4):c.4905A>C (p.Gln1635His)

Gene: SMARCA4 (SWI/SNF related BAF chromatin remodeling complex subunit ATPase 4; plus strand). Cytogenetic location: 19p13.2.
Variant type: single nucleotide variant.
Coding change: c.4905A>C on transcript NM_003072.5 (MANE Select); coding-DNA position 4905, A replaced by C.
Protein change: p.Gln1635His; replaces glutamine 1635 with histidine.
Molecular consequence: missense variant. On other transcripts: non-coding transcript variant (1).
Genome position (GRCh38, 1-based): chr19:11,060,181, A>C. VCF-style: chr19-11060181-A-C. GRCh37 (hg19) VCF-style: chr19-11170857-A-C.
Other names: c.4905A>C, p.Gln1635His (NM_001128844.3); c.4815A>C, p.Gln1605His (NM_001128845.2); c.4812A>C, p.Gln1604His (NM_001128846.2); c.4806A>C, p.Gln1602His (NM_001128847.4, NM_001374457.1); c.4803A>C, p.Gln1601His (NM_001128848.2); c.5001A>C, p.Gln1667His (NM_001128849.3, NM_001387283.1); short protein forms Q1667H, Q1604H, Q1601H, Q1602H, Q1605H, Q1635H.
Identifiers: ClinVar variation 484885 (VCV000484885.16), dbSNP rs908806258, ClinGen allele CA305298969.
Genomic context (GRCh38, chr19:11,060,181, plus strand): 5'-GCCGAGCCGAGGGTCCCGAGCCAAGCCGGTCGTGAGTGACGATGACAGTGAGGAGGAACA[A>C]GAGGAGGTGAGGCCGGGCCCCCGAGCAGGCAGAGCTGGCATGTGGCAGGAGGCATCCCGG-3'
Protein context (NP_003063.2, residues 1625-1645): VVSDDDSEEE[Gln1635His]EEDRSGSGSE

ClinVar aggregate classification (germline): Conflicting classifications of pathogenicity. Review status: criteria provided, conflicting classifications (1 of 4 stars). 3 submissions from 3 submitters: Uncertain significance (2); Likely benign (1). Last evaluated 2024-10-15.

Conditions:
Rhabdoid tumor predisposition syndrome 2 (RTPS2). Identifiers: Orphanet 231108, Orphanet 69077, MedGen C2750074, MONDO:0013224, OMIM 613325.
Intellectual disability, autosomal dominant 16 (CSS4). Also called: COFFIN-SIRIS SYNDROME 4. Identifiers: Orphanet 1465, MedGen C3553249, MONDO:0013821, OMIM 614609.
Hereditary cancer-predisposing syndrome. Also called: Neoplastic Syndromes, Hereditary; Tumor predisposition; Hereditary Cancer Syndrome; Hereditary neoplastic syndrome. Identifiers: Orphanet 140162, MedGen C0027672, MeSH D009386, MONDO:0015356.

Allele frequency attached by ClinVar (database versions not stated): TOPMed below 0.00001.
gnomAD v4.1: 2 of 1,550,942 alleles (0.00013%); highest among the groups gnomAD compares: Non-Finnish European, 0.00017%; no homozygotes.

Submissions (3):

Labcorp Genetics (formerly Invitae), Labcorp
Classification: Uncertain significance for Rhabdoid tumor predisposition syndrome 2. Last evaluated: 2024-10-15. Review status: criteria provided, single submitter. Criteria: Invitae Variant Classification Sherloc (09022015). Collection method: clinical testing. Allele origin: germline.
Comment: This sequence change replaces glutamine, which is neutral and polar, with histidine, which is basic and polar, at codon 1667 of the SMARCA4 protein (p.Gln1667His). This variant is not present in population databases (gnomAD no frequency). This variant has not been reported in the literature in individuals affected with SMARCA4-related conditions. ClinVar contains an entry for this variant (Variation ID: 484885). Invitae Evidence Modeling of protein sequence and biophysical properties (such as structural, functional, and spatial information, amino acid conservation, physicochemical variation, residue mobility, and thermodynamic stability) indicates that this missense variant is not expected to disrupt SMARCA4 protein function with a negative predictive value of 95%. In summary, the available evidence is currently insufficient to determine the role of this variant in disease. Therefore, it has been classified as a Variant of Uncertain Significance.

Ambry Genetics
Classification: Likely benign for Hereditary cancer-predisposing syndrome. Last evaluated: 2024-10-01. Review status: criteria provided, single submitter. Criteria: Ambry Variant Classification Scheme 2023. Collection method: clinical testing. Allele origin: germline.

Genome-Nilou Lab
Classification: Uncertain significance for Intellectual disability, autosomal dominant 16. Last evaluated: 2021-07-15. Review status: criteria provided, single submitter. Criteria: ACMG Guidelines, 2015. Collection method: clinical testing. Allele origin: germline. Affected: no.